The following is an entry in ClinVar:

NM_005186.4(CAPN1):c.1339G>C (p.Glu447Gln)

Gene: CAPN1 (calpain 1; plus strand). Cytogenetic location: 11q13.1.
Variant type: single nucleotide variant.
Coding change: c.1339G>C on transcript NM_005186.4 (MANE Select); coding-DNA position 1339, G replaced by C.
Protein change: p.Glu447Gln; replaces glutamic acid 447 with glutamine.
Molecular consequence: missense variant. On other transcripts: non-coding transcript variant (1).
Genome position (GRCh38, 1-based): chr11:65,204,856, G>C. VCF-style: chr11-65204856-G-C. GRCh37 (hg19) VCF-style: chr11-64972327-G-C.
Other names: c.1339G>C, p.Glu447Gln (NM_001198868.2, NM_001198869.2); short protein forms E447Q.
Identifiers: ClinVar variation 3708333 (VCV003708333.2).

ClinVar aggregate classification (germline): Uncertain significance (1 of 4 stars; one submission).

gnomAD v4.1: 13 of 1,601,496 alleles (0.00081%); highest among the groups gnomAD compares: Non-Finnish European, 0.00094%; no homozygotes.

Submission:

Labcorp Genetics (formerly Invitae), Labcorp
Classification: Uncertain significance. Last evaluated: 2024-10-15. Review status: criteria provided, single submitter. Criteria: Invitae Variant Classification Sherloc (09022015). Collection method: clinical testing. Allele origin: germline.
Comment: This sequence change replaces glutamic acid, which is acidic and polar, with glutamine, which is neutral and polar, at codon 447 of the CAPN1 protein (p.Glu447Gln). This variant is not present in population databases (gnomAD no frequency). This variant has not been reported in the literature in individuals affected with CAPN1-related conditions. An algorithm developed to predict the effect of missense changes on protein structure and function outputs the following: PolyPhen-2: "Benign". The glutamine amino acid residue is found in multiple mammalian species, which suggests that this missense change does not adversely affect protein function. In summary, the available evidence is currently insufficient to determine the role of this variant in disease. Therefore, it has been classified as a Variant of Uncertain Significance.